The following is an entry in ClinVar:

NC_000005.9:g.(?_33944753)_(33989627_?)dup

Genes: AMACR (alpha-methylacyl-CoA racemase; minus strand), SLC45A2 (solute carrier family 45 member 2; minus strand). Cytogenetic location: 5p13.2.
Variant type: Duplication.
Identifiers: ClinVar variation 3246352 (VCV003246352.1).

ClinVar aggregate classification (germline): Uncertain significance (1 of 4 stars; one submission).

Conditions:
Alpha-methylacyl-CoA racemase deficiency (AMACRD). Also called: AMACR deficiency. Identifiers: Orphanet 79095, MedGen C3280428, MONDO:0013681, OMIM 614307. Disease mechanism: loss of function.

Submission:

Labcorp Genetics (formerly Invitae), Labcorp
Classification: Uncertain significance for Alpha-methylacyl-CoA racemase deficiency. Last evaluated: 2022-03-01. Review status: criteria provided, single submitter. Criteria: Invitae Variant Classification Sherloc (09022015). Collection method: clinical testing. Allele origin: unknown.
Comment: In summary, the available evidence is currently insufficient to determine the role of this variant in disease. Therefore, it has been classified as a Variant of Uncertain Significance. Experimental studies and prediction algorithms are not available or were not evaluated, and the functional significance of this variant is currently unknown. This variant has not been reported in the literature in individuals affected with AMACR-related conditions. This variant results in a copy number gain of the genomic region encompassing exon(s) 5 of the AMACR gene. This region includes the termination codon of the gene. This copy number gain extends beyond the assayed region for this gene and therefore may encompass additional genes. As the precise location of this event is unknown, it may be in tandem or it may be located elsewhere in the genome.